The following is an entry in ClinVar:

ClinVar aggregate classification (germline): Uncertain significance (1 of 4 stars; one submission).

Submission:

GeneDx
Classification: Uncertain significance. Last evaluated: 2022-11-10. Review status: criteria provided, single submitter. Criteria: GeneDx Variant Classification Process June 2021. Collection method: clinical testing. Allele origin: germline. Affected: yes.
Comment: Not observed at significant frequency in large population cohorts (gnomAD); In silico analysis supports that this missense variant does not alter protein structure/function; Has not been previously published as pathogenic or benign to our knowledge

NM_001278116.2(L1CAM):c.2311C>T (p.Pro771Ser)

Gene: L1CAM (L1 cell adhesion molecule; minus strand). Cytogenetic location: Xq28.
Variant type: single nucleotide variant.
Coding change: c.2311C>T on transcript NM_001278116.2 (MANE Select); coding-DNA position 2311, C replaced by T.
Protein change: p.Pro771Ser; replaces proline 771 with serine.
Molecular consequence: missense variant.
Genome position (GRCh38, 1-based): chrX:153,866,769, G>A on the plus strand (C>T on the coding strand, the complement: L1CAM is on the minus strand). VCF-style: chrX-153866769-G-A. GRCh37 (hg19) VCF-style: chrX-153132224-G-A.
Other names: c.2311C>T, p.Pro771Ser (NM_000425.5, NM_024003.3); c.2296C>T, p.Pro766Ser (NM_001143963.2); short protein forms P766S, P771S.
Identifiers: ClinVar variation 2501860 (VCV002501860.1), dbSNP rs2520985023, ClinGen allele CA415120360.